The following is an entry in ClinVar:

NM_153717.3(EVC):c.1123C>T (p.Arg375Trp)

Gene: EVC (EvC ciliary complex subunit 1; plus strand). Cytogenetic location: 4p16.2.
Variant type: single nucleotide variant.
Coding change: c.1123C>T on transcript NM_153717.3 (MANE Select); coding-DNA position 1123, C replaced by T.
Protein change: p.Arg375Trp; replaces arginine 375 with tryptophan.
Molecular consequence: missense variant.
Genome position (GRCh38, 1-based): chr4:5,752,860, C>T. VCF-style: chr4-5752860-C-T. GRCh37 (hg19) VCF-style: chr4-5754587-C-T.
Other names: c.1123C>T, p.Arg375Trp (NM_001306090.2, NM_001306092.2); short protein forms R375W.
Identifiers: ClinVar variation 2061657 (VCV002061657.2), dbSNP rs368492656, ClinGen allele CA2836016.
Genomic context (GRCh38, chr4:5,752,860, plus strand): 5'-CACCCCAGCTATGGTCCTGTGTGTTTCTTTTTGCAGGACGCCCTGGAGAGGACGATGGGG[C>T]GGGCGCACATGGCAAAAGTGATTGAGTTTCTGAAGCTGCAAGTCCAGGAGGAGACCAGGT-3'
Protein context (NP_714928.1, residues 365-385): ALDALERTMG[Arg375Trp]AHMAKVIEFL

ClinVar aggregate classification (germline): Uncertain significance (1 of 4 stars; one submission).

Conditions:
Curry-Hall syndrome (WAD). Also called: WEYERS ACRODENTAL DYSOSTOSIS. Identifiers: Orphanet 952, MedGen C0457013, MONDO:0008673, OMIM 193530.
Ellis-van Creveld syndrome (EVC). Also called: Chondroectodermal dysplasia; MESOECTODERMAL DYSPLASIA; EVC-Related Ellis-van Creveld Syndrome; EVC2-Related Ellis-van Creveld Syndrome. Identifiers: Orphanet 289, MedGen C0013903, MONDO:0009162, OMIM 225500.

Allele frequency attached by ClinVar (database versions not stated): ExAC 0.00001; gnomAD 0.00001; gnomAD exomes 0.00001; TOPMed 0.00001; ESP Exome Variant Server 0.00008.
gnomAD v4.1: 14 of 1,614,040 alleles (0.00087%); highest among the groups gnomAD compares: Admixed American, 0.0067%; no homozygotes.

Submission:

Labcorp Genetics (formerly Invitae), Labcorp
Classification: Uncertain significance for Curry-Hall syndrome; Ellis-van Creveld syndrome. Last evaluated: 2024-04-16. Review status: criteria provided, single submitter. Criteria: Invitae Variant Classification Sherloc (09022015). Collection method: clinical testing. Allele origin: germline.
Comment: This sequence change replaces arginine, which is basic and polar, with tryptophan, which is neutral and slightly polar, at codon 375 of the EVC protein (p.Arg375Trp). This variant is present in population databases (rs368492656, gnomAD 0.01%). This variant has not been reported in the literature in individuals affected with EVC-related conditions. ClinVar contains an entry for this variant (Variation ID: 2061657). Advanced modeling of protein sequence and biophysical properties (such as structural, functional, and spatial information, amino acid conservation, physicochemical variation, residue mobility, and thermodynamic stability) performed at Invitae indicates that this missense variant is not expected to disrupt EVC protein function with a negative predictive value of 80%. In summary, the available evidence is currently insufficient to determine the role of this variant in disease. Therefore, it has been classified as a Variant of Uncertain Significance.